The following is an entry in ClinVar:

ClinVar aggregate classification (germline): Conflicting classifications of pathogenicity. Review status: criteria provided, conflicting classifications (1 of 4 stars). 2 submissions from 2 submitters: Uncertain significance (1); Likely benign (1). Last evaluated 2025-12-22.

Conditions:
Familial hemiplegic migraine. Identifiers: MedGen C0338484, MONDO:0000700.

Allele frequency attached by ClinVar (database versions not stated): gnomAD 0.00001; gnomAD exomes 0.00003 and 0.00005; TOPMed 0.00003; ExAC 0.00004; ESP Exome Variant Server 0.00008.
gnomAD v4.1: 42 of 1,614,110 alleles (0.0026%); highest among the groups gnomAD compares: African/African-American, 0.004%; no homozygotes.

Submissions (2):

Labcorp Genetics (formerly Invitae), Labcorp
Classification: Likely benign for Familial hemiplegic migraine. Last evaluated: 2025-12-22. Review status: criteria provided, single submitter. Criteria: Invitae Variant Classification Sherloc (09022015). Collection method: clinical testing. Allele origin: germline.

GeneDx
Classification: Uncertain significance. Last evaluated: 2022-04-27. Review status: criteria provided, single submitter. Criteria: GeneDx Variant Classification Process June 2021. Collection method: clinical testing. Allele origin: germline. Affected: yes.
Comment: In silico analysis supports that this missense variant has a deleterious effect on protein structure/function; Has not been previously published as pathogenic or benign to our knowledge

NM_000702.4(ATP1A2):c.814G>A (p.Ala272Thr)

Gene: ATP1A2 (ATPase Na+/K+ transporting subunit alpha 2; plus strand). Cytogenetic location: 1q23.2.
Variant type: single nucleotide variant.
Coding change: c.814G>A on transcript NM_000702.4 (MANE Select); coding-DNA position 814, G replaced by A.
Protein change: p.Ala272Thr; replaces alanine 272 with threonine.
Molecular consequence: missense variant.
Genome position (GRCh38, 1-based): chr1:160,127,617, G>A. VCF-style: chr1-160127617-G-A. GRCh37 (hg19) VCF-style: chr1-160097407-G-A.
Other names: short protein forms A272T.
Identifiers: ClinVar variation 1057652 (VCV001057652.10), dbSNP rs369898494, ClinGen allele CA1194295.